The following is an entry in ClinVar:

ClinVar aggregate classification (germline): Likely pathogenic (1 of 4 stars; one submission).

Conditions:
Inborn genetic diseases. Identifiers: MedGen C0950123, MeSH D030342.

Submission:

Ambry Genetics
Classification: Likely pathogenic for Inborn genetic diseases. Last evaluated: 2026-04-13. Review status: criteria provided, single submitter. Criteria: Ambry Variant Classification Scheme 2023. Collection method: clinical testing. Allele origin: germline.
Comment: The c.649T>C (p.F217L) alteration is located in exon 8 (coding exon 5) of the PAX6 gene. This alteration results from a T to C substitution at nucleotide position 649, causing the phenylalanine (F) at amino acid position 217 to be replaced by a leucine (L). This variant was not reported in population-based cohorts in the Genome Aggregation Database (gnomAD). This amino acid position is highly conserved in available vertebrate species. This alteration is predicted to be deleterious by in silico analysis. Based on the available evidence, this alteration is classified as likely pathogenic.

NM_001368894.2(PAX6):c.691T>C (p.Phe231Leu)

Gene: PAX6 (paired box 6; minus strand). Cytogenetic location: 11p13.
Variant type: single nucleotide variant.
Coding change: c.691T>C on transcript NM_001368894.2 (MANE Select); coding-DNA position 691, T replaced by C.
Protein change: p.Phe231Leu; replaces phenylalanine 231 with leucine.
Molecular consequence: missense variant. On other transcripts: non-coding transcript variant (2).
Genome position (GRCh38, 1-based): chr11:31,794,663, A>G on the plus strand (T>C on the coding strand, the complement: PAX6 is on the minus strand). VCF-style: chr11-31794663-A-G. GRCh37 (hg19) VCF-style: chr11-31816211-A-G.
Other names: c.649T>C, p.Phe217Leu (NM_000280.6, NM_001127612.3, NM_001258464.2 and 10 more transcripts); c.691T>C, p.Phe231Leu (NM_001258462.3, NM_001258463.2, NM_001310158.2 and 6 more transcripts); c.241T>C, p.Phe81Leu (NM_001368899.2, NM_001368900.2, NM_001368901.2 and 11 more transcripts); c.766T>C, p.Phe256Leu (NM_001368918.2, NM_001368919.2); c.724T>C, p.Phe242Leu (NM_001368920.2); c.490T>C, p.Phe164Leu (NM_001368921.2, NM_001368922.2, NM_001368923.2 and 4 more transcripts); c.448T>C, p.Phe150Leu (NM_001368928.2); c.46T>C, p.Phe16Leu (NM_001368930.2); and 2 more; short protein forms F217L, F256L, F81L, F150L, F164L, F298L, F231L, F232L.
Identifiers: ClinVar variation 2227354 (VCV002227354.3), dbSNP rs2495302923, ClinGen allele CA379956879.